The following is an entry in ClinVar:

ClinVar aggregate classification (germline): Uncertain significance. Review status: criteria provided, multiple submitters, no conflicts (2 of 4 stars). 2 submissions from 2 submitters: Uncertain significance (2). Last evaluated 2025-04-14.

Conditions:
Cardiovascular phenotype. Identifiers: MedGen CN230736.
Ehlers-Danlos syndrome, musculocontractural type (EDSMC). Also called: Adducted thumb, clubfoot, progressive joint and skin laxity syndrome; ADDUCTED THUMB-CLUBFOOT SYNDROME; ARTHROGRYPOSIS, DISTAL, WITH PECULIAR FACIES AND HYDRONEPHROSIS; DUNDAR SYNDROME. Identifiers: Orphanet 2953, MedGen C1866294, MONDO:0011142.

Allele frequency attached by ClinVar (database versions not stated): gnomAD exomes below 0.00001; gnomAD 0.00003 and 0.00004; TOPMed 0.00006; ESP Exome Variant Server 0.00008.

Submissions (2):

Ambry Genetics
Classification: Uncertain significance for Cardiovascular phenotype. Last evaluated: 2025-04-14. Review status: criteria provided, single submitter. Criteria: Ambry Variant Classification Scheme 2023. Collection method: clinical testing. Allele origin: germline.
Comment: The p.R134W variant (also known as c.400C>T), located in coding exon 1 of the CHST14 gene, results from a C to T substitution at nucleotide position 400. The arginine at codon 134 is replaced by tryptophan, an amino acid with dissimilar properties. This amino acid position is conserved. In addition, this alteration is predicted to be deleterious by in silico analysis. Since supporting evidence is limited at this time, the clinical significance of this alteration remains unclear.

Labcorp Genetics (formerly Invitae), Labcorp
Classification: Uncertain significance for Ehlers-Danlos syndrome, musculocontractural type. Last evaluated: 2024-02-24. Review status: criteria provided, single submitter. Criteria: Invitae Variant Classification Sherloc (09022015). Collection method: clinical testing. Allele origin: germline.
Comment: This sequence change replaces arginine, which is basic and polar, with tryptophan, which is neutral and slightly polar, at codon 134 of the CHST14 protein (p.Arg134Trp). This variant is not present in population databases (gnomAD no frequency). This variant has not been reported in the literature in individuals affected with CHST14-related conditions. ClinVar contains an entry for this variant (Variation ID: 840958). Advanced modeling of protein sequence and biophysical properties (such as structural, functional, and spatial information, amino acid conservation, physicochemical variation, residue mobility, and thermodynamic stability) performed at Invitae indicates that this missense variant is expected to disrupt CHST14 protein function with a positive predictive value of 80%. In summary, the available evidence is currently insufficient to determine the role of this variant in disease. Therefore, it has been classified as a Variant of Uncertain Significance.

NM_130468.4(CHST14):c.400C>T (p.Arg134Trp)

Gene: CHST14 (carbohydrate sulfotransferase 14; plus strand). Cytogenetic location: 15q15.1.
Variant type: single nucleotide variant.
Coding change: c.400C>T on transcript NM_130468.4 (MANE Select); coding-DNA position 400, C replaced by T.
Protein change: p.Arg134Trp; replaces arginine 134 with tryptophan.
Molecular consequence: missense variant.
Genome position (GRCh38, 1-based): chr15:40,471,613, C>T. VCF-style: chr15-40471613-C-T. GRCh37 (hg19) VCF-style: chr15-40763812-C-T.
Other names: short protein forms R134W.
Identifiers: ClinVar variation 840958 (VCV000840958.11), dbSNP rs368203130, ClinGen allele CA268822394.